The following is an entry in ClinVar:

NM_001242896.3(DEPDC5):c.59-2A>G

Gene: DEPDC5 (DEP domain containing 5, GATOR1 subcomplex subunit; plus strand). Cytogenetic location: 22q12.2.
Variant type: single nucleotide variant.
Coding change: c.59-2A>G on transcript NM_001242896.3 (MANE Select); the canonical splice acceptor site of the intron before coding-DNA position 59, A replaced by G.
Molecular consequence: splice acceptor variant.
Genome position (GRCh38, 1-based): chr22:31,758,544, A>G. VCF-style: chr22-31758544-A-G. GRCh37 (hg19) VCF-style: chr22-32154530-A-G.
Other names: c.59-2A>G (NM_001242896.1, NM_001364318.2, NM_001136029.4 and 10 more transcripts).
Identifiers: ClinVar variation 2831348 (VCV002831348.4), dbSNP rs2517738284, ClinGen allele CA411278705.

ClinVar aggregate classification (germline): Likely pathogenic. Review status: criteria provided, multiple submitters, no conflicts (2 of 4 stars). 2 submissions from 2 submitters: Likely pathogenic (2). Last evaluated 2025-09-04.

Conditions:
Familial focal epilepsy with variable foci (FPEVF). Identifiers: Orphanet 98820, MedGen C1858477, MONDO:0020310.
Inborn genetic diseases. Identifiers: MedGen C0950123, MeSH D030342.

Submissions (2):

Ambry Genetics
Classification: Likely pathogenic for Inborn genetic diseases. Last evaluated: 2025-09-04. Review status: criteria provided, single submitter. Criteria: Ambry Variant Classification Scheme 2023. Collection method: clinical testing. Allele origin: germline.
Comment: The c.59-2A>G intronic alteration results from a A to G substitution two nucleotides before coding exon 2 of the DEPDC5 gene. The stop codon in the predicted resulting transcript occurs in the 5' end of the DEPDC5 gene. As such, this alteration may escape nonsense-mediated mRNA decay and/or be prone to rescue by reinitiation (Rivas, 2015; Lindeboom, 2016; Rhee, 2017). The exact functional effect of this alteration is unknown; however, the region predicted to be impacted is critical for protein function (Ambry internal data). This variant was not reported in population-based cohorts in the Genome Aggregation Database (gnomAD). This nucleotide position is highly conserved in available vertebrate species. In silico splice site analysis predicts that this alteration will weaken the native splice acceptor site and may result in the creation or strengthening of a novel splice acceptor site. Based on the available evidence, this alteration is classified as likely pathogenic.

Labcorp Genetics (formerly Invitae), Labcorp
Classification: Likely pathogenic for Familial focal epilepsy with variable foci. Last evaluated: 2023-01-23. Review status: criteria provided, single submitter. Criteria: Invitae Variant Classification Sherloc (09022015). Collection method: clinical testing. Allele origin: germline.
Comment: This sequence change affects an acceptor splice site in intron 2 of the DEPDC5 gene. It is expected to disrupt RNA splicing. Variants that disrupt the donor or acceptor splice site typically lead to a loss of protein function (PMID: 16199547), and loss-of-function variants in DEPDC5 are known to be pathogenic (PMID: 23542697, 23542701). In summary, the currently available evidence indicates that the variant is pathogenic, but additional data are needed to prove that conclusively. Therefore, this variant has been classified as Likely Pathogenic. Algorithms developed to predict the effect of sequence changes on RNA splicing suggest that this variant may disrupt the consensus splice site. Disruption of this splice site has been observed in individual(s) with autosomal dominant DEPDC5-related conditions (PMID: 24591017). This variant is not present in population databases (gnomAD no frequency).

Literature cited by the submitters: PubMed 25954003 (cited by Ambry Genetics); PubMed 27618451 (cited by Ambry Genetics); PubMed 28490743 (cited by Ambry Genetics); PubMed 16199547 (cited by Labcorp Genetics (formerly Invitae), Labcorp); PubMed 23542697 (cited by Labcorp Genetics (formerly Invitae), Labcorp); PubMed 23542701 (cited by Labcorp Genetics (formerly Invitae), Labcorp); PubMed 24591017 (cited by Labcorp Genetics (formerly Invitae), Labcorp).